The following is an entry in ClinVar:

ClinVar aggregate classification (germline): Uncertain significance (1 of 4 stars; one submission).

Allele frequency attached by ClinVar (database versions not stated): gnomAD exomes below 0.00001; ExAC 0.00001; 1000 Genomes Project 30x 0.00016.
gnomAD v4.1: 1 of 1,614,158 alleles (0.000062%); highest among the groups gnomAD compares: Non-Finnish European, 0.000085%; no homozygotes.

Submission:

Ambry Genetics
Classification: Uncertain significance. Last evaluated: 2022-12-19. Review status: criteria provided, single submitter. Criteria: Ambry Variant Classification Scheme 2023. Collection method: clinical testing. Allele origin: germline.
Comment: The p.S163F variant (also known as c.488C>T), located in coding exon 3 of the ALPK2 gene, results from a C to T substitution at nucleotide position 488. The serine at codon 163 is replaced by phenylalanine, an amino acid with highly dissimilar properties. This amino acid position is conserved. In addition, this alteration is predicted to be tolerated by in silico analysis. Since supporting evidence is limited at this time, the clinical significance of this alteration remains unclear.

NM_052947.4(ALPK2):c.488C>T (p.Ser163Phe)

Gene: ALPK2 (alpha kinase 2; minus strand). Cytogenetic location: 18q21.31.
Variant type: single nucleotide variant.
Coding change: c.488C>T on transcript NM_052947.4 (MANE Select); coding-DNA position 488, C replaced by T.
Protein change: p.Ser163Phe; replaces serine 163 with phenylalanine.
Molecular consequence: missense variant.
Genome position (GRCh38, 1-based): chr18:58,580,288, G>A on the plus strand (C>T on the coding strand, the complement: ALPK2 is on the minus strand). VCF-style: chr18-58580288-G-A. GRCh37 (hg19) VCF-style: chr18-56247520-G-A.
Other names: short protein forms S163F.
Identifiers: ClinVar variation 2449235 (VCV002449235.2), dbSNP rs770397409, ClinGen allele CA8977436.
Genomic context (GRCh38, chr18:58,580,288, plus strand): 5'-CTAATGTCAAGATTGCCCAATGACTGGAGGGAGAGTGAATGGTTGGATTTGGAGGGGGAG[G>A]AGTCAGCTGACCTGGGAGTGCCCGGGGAGATGCTTTCTTCTTCCTTATAAGGATGTTCCT-3'
Protein context (NP_443179.3, residues 153-173): ISPGTPRSAD[Ser163Phe]SPSKSNHSLS